The following is an entry in ClinVar:

ClinVar aggregate classification (germline): Conflicting classifications of pathogenicity. Review status: criteria provided, conflicting classifications (1 of 4 stars). 2 submissions from 2 submitters: Uncertain significance (1); Likely benign (1). Last evaluated 2026-07-30.

Conditions:
Renal cell carcinoma. Identifiers: Orphanet 217071, MedGen C0007134, MeSH D002292, MONDO:0005086, HP:0005584.
Hereditary cancer-predisposing syndrome. Also called: Hereditary Cancer Syndrome; Hereditary neoplastic syndrome; Neoplastic Syndromes, Hereditary; Tumor predisposition. Identifiers: Orphanet 140162, MedGen C0027672, MeSH D009386, MONDO:0015356.

Allele frequency attached by ClinVar (database versions not stated): gnomAD exomes below 0.00001.
gnomAD v4.1: 1 of 1,614,148 alleles (0.000062%); highest among the groups gnomAD compares: East Asian, 0.0022%; no homozygotes.

Submissions (2):

Ambry Genetics
Classification: Likely benign for Hereditary cancer-predisposing syndrome. Last evaluated: 2026-07-30. Review status: criteria provided, single submitter. Criteria: Ambry Variant Classification Scheme 2023. Collection method: clinical testing. Allele origin: germline.

Labcorp Genetics (formerly Invitae), Labcorp
Classification: Uncertain significance for Renal cell carcinoma. Last evaluated: 2025-05-23. Review status: criteria provided, single submitter. Criteria: Invitae Variant Classification Sherloc (09022015). Collection method: clinical testing. Allele origin: germline.
Comment: This sequence change replaces isoleucine, which is neutral and non-polar, with leucine, which is neutral and non-polar, at codon 583 of the MET protein (p.Ile583Leu). This variant is present in population databases (no rsID available, gnomAD 0.006%). This variant has not been reported in the literature in individuals affected with MET-related conditions. ClinVar contains an entry for this variant (Variation ID: 2453415). Invitae Evidence Modeling of protein sequence and biophysical properties (such as structural, functional, and spatial information, amino acid conservation, physicochemical variation, residue mobility, and thermodynamic stability) indicates that this missense variant is not expected to disrupt MET protein function with a negative predictive value of 80%. In summary, the available evidence is currently insufficient to determine the role of this variant in disease. Therefore, it has been classified as a Variant of Uncertain Significance.

NM_000245.4(MET):c.1747A>T (p.Ile583Leu)

Gene: MET (MET proto-oncogene, receptor tyrosine kinase; plus strand). Cytogenetic location: 7q31.2.
Variant type: single nucleotide variant.
Coding change: c.1747A>T on transcript NM_000245.4 (MANE Select); coding-DNA position 1747, A replaced by T.
Protein change: p.Ile583Leu; replaces isoleucine 583 with leucine.
Molecular consequence: missense variant.
Genome position (GRCh38, 1-based): chr7:116,755,400, A>T. VCF-style: chr7-116755400-A-T. GRCh37 (hg19) VCF-style: chr7-116395454-A-T.
Other names: c.1747A>T, p.Ile583Leu (NM_001127500.3, NM_001324401.3); c.457A>T, p.Ile153Leu (NM_001324402.2); short protein forms I153L, I583L.
Identifiers: ClinVar variation 2453415 (VCV002453415.4), dbSNP rs1289697844, ClinGen allele CA368977696.
Genomic context (GRCh38, chr7:116,755,400, plus strand): 5'-ATGTTGTCCTTGTAGGTTTTCCCAAATAGTGCACCCCTTGAAGGAGGGACAAGGCTGACC[A>T]TATGTGGCTGGGACTTTGGATTTCGGAGGAATAATAAATTTGATTTAAAGAAAACTAGAG-3'
Protein context (NP_000236.2, residues 573-593): APLEGGTRLT[Ile583Leu]CGWDFGFRRN